The following is an entry in ClinVar:

NM_000090.4(COL3A1):c.30G>A (p.Trp10Ter)

Gene: COL3A1 (collagen type III alpha 1 chain; plus strand). Cytogenetic location: 2q32.2.
Variant type: single nucleotide variant.
Coding change: c.30G>A on transcript NM_000090.4 (MANE Select); coding-DNA position 30, G replaced by A.
Protein change: p.Trp10Ter; replaces tryptophan 10 with a stop codon.
Molecular consequence: nonsense.
Genome position (GRCh38, 1-based): chr2:188,974,519, G>A. VCF-style: chr2-188974519-G-A. GRCh37 (hg19) VCF-style: chr2-189839245-G-A.
Other names: NP_000081.1:p.Trp10*; p.Trp10*; short protein forms W10*.
Identifiers: ClinVar variation 101435 (VCV000101435.3), dbSNP rs587779677, ClinGen allele CA006034.

ClinVar aggregate classification (germline): Likely pathogenic. Review status: criteria provided, single submitter (1 of 4 stars). 2 submissions from 2 submitters: Likely pathogenic (1). 1 of the submissions does not count toward it. Last evaluated 2025-07-15.

Conditions:
Ehlers-Danlos syndrome, type 4 (EDSVASC). Also called: Ehlers-Danlos syndrome vascular type; Ehlers Danlos syndrome, ecchymotic type; Ehlers Danlos syndrome, arterial type; Ehlers Danlos syndrome, Sack-Barabas type; Ehlers-Danlos Syndrome Type IV. Identifiers: Orphanet 286, MedGen C0268338, MONDO:0017314, OMIM 130050.

Allele frequency attached by ClinVar (database versions not stated): gnomAD exomes below 0.00001; TOPMed below 0.00001.

Submissions (2):

Mayo Clinic Laboratories, Mayo Clinic
Classification: Likely pathogenic. Last evaluated: 2025-07-15. Review status: criteria provided, single submitter. Criteria: ACMG Guidelines, 2015. Collection method: clinical testing. Allele origin: germline. Observed: 1 variant allele.
Comment: PM2_supporting, PVS1

Collagen Diagnostic Laboratory, University of Washington
Classification: Pathogenic for Ehlers-Danlos syndrome, type 4. Review status: no assertion criteria provided. Collection method: clinical testing. Allele origin: germline. Affected: yes. Not counted in ClinVar's aggregate classification.

Literature cited by the submitters: PubMed 24922459 (cited by Mayo Clinic Laboratories, Mayo Clinic).